The following is an entry in ClinVar:

NM_001111125.3(IQSEC2):c.3101T>C (p.Leu1034Pro)

Gene: IQSEC2 (IQ motif and Sec7 domain ArfGEF 2; minus strand). Cytogenetic location: Xp11.22.
Variant type: single nucleotide variant.
Coding change: c.3101T>C on transcript NM_001111125.3 (MANE Select); coding-DNA position 3101, T replaced by C.
Protein change: p.Leu1034Pro; replaces leucine 1034 with proline.
Molecular consequence: missense variant.
Genome position (GRCh38, 1-based): chrX:53,239,209, A>G on the plus strand (T>C on the coding strand, the complement: IQSEC2 is on the minus strand). VCF-style: chrX-53239209-A-G. GRCh37 (hg19) VCF-style: chrX-53268391-A-G.
Other names: c.3101T>C, p.Leu1034Pro (NM_001410736.1, NM_001441092.1); c.2603T>C, p.Leu868Pro (NM_001441093.1); c.2390T>C, p.Leu797Pro (NM_001441094.1, NM_001441095.1); c.2486T>C, p.Leu829Pro (NM_015075.2); short protein forms L829P, L868P, L797P, L1034P.
Identifiers: ClinVar variation 4839717 (VCV004839717.1).

ClinVar aggregate classification (germline): Uncertain significance (1 of 4 stars; one submission).

Conditions:
Inborn genetic diseases. Identifiers: MedGen C0950123, MeSH D030342.

gnomAD v4.1: 1 of 1,198,933 alleles (0.000083%); highest among the groups gnomAD compares: Non-Finnish European, 0.00011%; no homozygotes.

Submission:

Ambry Genetics
Classification: Uncertain significance for Inborn genetic diseases. Last evaluated: 2026-01-25. Review status: criteria provided, single submitter. Criteria: Ambry Variant Classification Scheme 2023. Collection method: clinical testing. Allele origin: germline.
Comment: The c.3101T>C (p.L1034P) alteration is located in exon 11 (coding exon 11) of the IQSEC2 gene. This alteration results from a T to C substitution at nucleotide position 3101, causing the leucine (L) at amino acid position 1034 to be replaced by a proline (P). This variant was not reported in population-based cohorts in the Genome Aggregation Database (gnomAD). This amino acid position is well conserved in available vertebrate species. This missense variant is located in a region that has a low rate of benign missense variation (Lek, 2016; Firth, 2009). This alteration is predicted to be deleterious by in silico analysis. Based on insufficient or conflicting evidence, the clinical significance of this alteration remains unclear.